The following is an entry in ClinVar:

ClinVar aggregate classification (germline): Uncertain significance (1 of 4 stars; one submission).

Conditions:
Inborn genetic diseases. Identifiers: MedGen C0950123, MeSH D030342.

Submission:

Ambry Genetics
Classification: Uncertain significance for Inborn genetic diseases. Last evaluated: 2025-12-07. Review status: criteria provided, single submitter. Criteria: Ambry Variant Classification Scheme 2023. Collection method: clinical testing. Allele origin: germline.
Comment: The p.F220C variant (also known as c.659T>G), located in coding exon 1 of the SAMD9 gene, results from a T to G substitution at nucleotide position 659. The phenylalanine at codon 220 is replaced by cysteine, an amino acid with highly dissimilar properties. This amino acid position is conserved. In addition, the in silico prediction for this alteration is inconclusive. Based on the available evidence, the clinical significance of this variant remains unclear.

NM_017654.4(SAMD9):c.659T>G (p.Phe220Cys)

Gene: SAMD9 (sterile alpha motif domain containing 9; minus strand). Cytogenetic location: 7q21.2.
Variant type: single nucleotide variant.
Coding change: c.659T>G on transcript NM_017654.4 (MANE Select); coding-DNA position 659, T replaced by G.
Protein change: p.Phe220Cys; replaces phenylalanine 220 with cysteine.
Molecular consequence: missense variant.
Genome position (GRCh38, 1-based): chr7:93,105,439, A>C on the plus strand (T>G on the coding strand, the complement: SAMD9 is on the minus strand). VCF-style: chr7-93105439-A-C. GRCh37 (hg19) VCF-style: chr7-92734752-A-C.
Other names: c.659T>G, p.Phe220Cys (NM_001193307.2); short protein forms F220C.
Identifiers: ClinVar variation 4629983 (VCV004629983.1).